The following is an entry in ClinVar:

ClinVar aggregate classification (germline): Conflicting classifications of pathogenicity. Review status: criteria provided, conflicting classifications (1 of 4 stars). 2 submissions from 2 submitters: Uncertain significance (1); Likely benign (1). Last evaluated 2025-05-15.

Conditions:
Hereditary breast ovarian cancer syndrome. Also called: Hereditary breast and ovarian cancer syndrome; Hereditary breast and ovarian cancer; Hereditary breast and ovarian cancer syndrome (HBOC); Breast and ovarian cancer; Hereditary breast and/or ovarian cancer syndrome; BRCA1- and BRCA2-Associated Hereditary Breast and Ovarian Cancer. Identifiers: Orphanet 145, MedGen C0677776, MeSH D061325, MONDO:0003582. Disease mechanism: loss of function.
Hereditary cancer-predisposing syndrome. Also called: Neoplastic Syndromes, Hereditary; Tumor predisposition; Hereditary Cancer Syndrome; Hereditary neoplastic syndrome. Identifiers: Orphanet 140162, MedGen C0027672, MeSH D009386, MONDO:0015356.

Submissions (2):

Ambry Genetics
Classification: Likely benign for Hereditary cancer-predisposing syndrome. Last evaluated: 2025-05-15. Review status: criteria provided, single submitter. Criteria: Ambry Variant Classification Scheme 2023. Collection method: clinical testing. Allele origin: germline.

Labcorp Genetics (formerly Invitae), Labcorp
Classification: Uncertain significance for Hereditary breast ovarian cancer syndrome. Last evaluated: 2019-11-14. Review status: criteria provided, single submitter. Criteria: Invitae Variant Classification Sherloc (09022015). Collection method: clinical testing. Allele origin: germline.
Comment: In summary, the available evidence is currently insufficient to determine the role of this variant in disease. Therefore, it has been classified as a Variant of Uncertain Significance. This sequence change replaces glutamine with proline at codon 2925 of the BRCA2 protein (p.Gln2925Pro). The glutamine residue is highly conserved and there is a moderate physicochemical difference between glutamine and proline. Algorithms developed to predict the effect of missense changes on protein structure and function (SIFT, PolyPhen-2, Align-GVGD) all suggest that this variant is likely to be disruptive, but these predictions have not been confirmed by published functional studies and their clinical significance is uncertain. This variant has not been reported in the literature in individuals with BRCA2-related conditions. ClinVar contains an entry for this variant (Variation ID: 483018). This variant is not present in population databases (ExAC no frequency).

NM_000059.4(BRCA2):c.8774A>C (p.Gln2925Pro)

Gene: BRCA2 (BRCA2 DNA repair associated; plus strand). Cytogenetic location: 13q13.1.
Variant type: single nucleotide variant.
Coding change: c.8774A>C on transcript NM_000059.4 (MANE Select); coding-DNA position 8774, A replaced by C.
Protein change: p.Gln2925Pro; replaces glutamine 2925 with proline.
Molecular consequence: missense variant.
Genome position (GRCh38, 1-based): chr13:32,379,336, A>C. VCF-style: chr13-32379336-A-C. GRCh37 (hg19) VCF-style: chr13-32953473-A-C.
Other names: short protein forms Q2925P.
Identifiers: ClinVar variation 483018 (VCV000483018.16), dbSNP rs80359135, ClinGen allele CA387755820.
Genomic context (GRCh38, chr13:32,379,336, plus strand): 5'-GTTCTGATTGCTTTTTATTCCAATATCTTAAATGGTCACAGGGTTATTTCAGTGAAGAGC[A>C]GTTAAGAGCCTTGAATAATCACAGGCAAATGTTGAATGATAAGAAACAAGCTCAGATCCA-3'
Protein context (NP_000050.3, residues 2915-2935): AYLEGYFSEE[Gln2925Pro]LRALNNHRQM